The following is an entry in ClinVar:

NM_033109.5(PNPT1):c.925A>G (p.Arg309Gly)

Gene: PNPT1 (polyribonucleotide nucleotidyltransferase 1; minus strand). Cytogenetic location: 2p16.1.
Variant type: single nucleotide variant.
Coding change: c.925A>G on transcript NM_033109.5 (MANE Select); coding-DNA position 925, A replaced by G.
Protein change: p.Arg309Gly; replaces arginine 309 with glycine.
Molecular consequence: missense variant.
Genome position (GRCh38, 1-based): chr2:55,671,370, T>C on the plus strand (A>G on the coding strand, the complement: PNPT1 is on the minus strand). VCF-style: chr2-55671370-T-C. GRCh37 (hg19) VCF-style: chr2-55898505-T-C.
Other names: short protein forms R309G.
Identifiers: ClinVar variation 2091526 (VCV002091526.4), dbSNP rs2529570074, ClinGen allele CA346931785.

ClinVar aggregate classification (germline): Uncertain significance (1 of 4 stars; one submission).

gnomAD v4.1: 1 of 1,529,350 alleles (0.000065%); highest among the groups gnomAD compares: Non-Finnish European, 0.000088%; no homozygotes.

Submission:

Labcorp Genetics (formerly Invitae), Labcorp
Classification: Uncertain significance. Last evaluated: 2022-02-01. Review status: criteria provided, single submitter. Criteria: Invitae Variant Classification Sherloc (09022015). Collection method: clinical testing. Allele origin: germline.
Comment: This sequence change replaces arginine, which is basic and polar, with glycine, which is neutral and non-polar, at codon 309 of the PNPT1 protein (p.Arg309Gly). This variant is not present in population databases (gnomAD no frequency). This variant has not been reported in the literature in individuals affected with PNPT1-related conditions. Advanced modeling of protein sequence and biophysical properties (such as structural, functional, and spatial information, amino acid conservation, physicochemical variation, residue mobility, and thermodynamic stability) performed at Invitae indicates that this missense variant is expected to disrupt PNPT1 protein function. In summary, the available evidence is currently insufficient to determine the role of this variant in disease. Therefore, it has been classified as a Variant of Uncertain Significance.